The following is an entry in ClinVar:

ClinVar aggregate classification (germline): Uncertain significance (1 of 4 stars; one submission).

Conditions:
Hereditary cancer-predisposing syndrome. Also called: Neoplastic Syndromes, Hereditary; Hereditary neoplastic syndrome; Tumor predisposition; Hereditary Cancer Syndrome. Identifiers: Orphanet 140162, MedGen C0027672, MeSH D009386, MONDO:0015356.

Submission:

Ambry Genetics
Classification: Uncertain significance for Hereditary cancer-predisposing syndrome. Last evaluated: 2025-05-19. Review status: criteria provided, single submitter. Criteria: Ambry Variant Classification Scheme 2023. Collection method: clinical testing. Allele origin: germline.
Comment: The p.V328I variant (also known as c.982G>A), located in coding exon 8 of the MRE11A gene, results from a G to A substitution at nucleotide position 982. The valine at codon 328 is replaced by isoleucine, an amino acid with highly similar properties. This amino acid position is conserved. In addition, this alteration is predicted to be tolerated by in silico analysis. Since supporting evidence is limited at this time, the clinical significance of this alteration remains unclear.

NM_005591.4(MRE11):c.982G>A (p.Val328Ile)

Gene: MRE11 (MRE11 double strand break repair nuclease; minus strand). Cytogenetic location: 11q21.
Variant type: single nucleotide variant.
Coding change: c.982G>A on transcript NM_005591.4 (MANE Select); coding-DNA position 982, G replaced by A.
Protein change: p.Val328Ile; replaces valine 328 with isoleucine.
Molecular consequence: missense variant.
Genome position (GRCh38, 1-based): chr11:94,470,506, C>T on the plus strand (G>A on the coding strand, the complement: MRE11 is on the minus strand). VCF-style: chr11-94470506-C-T. GRCh37 (hg19) VCF-style: chr11-94203672-C-T.
Other names: c.982G>A, p.Val328Ile (NM_001330347.2, NM_005590.4); short protein forms V328I.
Identifiers: ClinVar variation 2496464 (VCV002496464.3), dbSNP rs2496482565, ClinGen allele CA382374256.
Genomic context (GRCh38, chr11:94,470,506, plus strand): 5'-CATTGACTTTATCAAAAAGAATTACCTTCTCCAAACAGAAGCTTTGTATGGCTTGGGTTA[C>T]TTTAGGATTATCTGGGTTAAAAATGTCTGGATGATTAGCTAGAACAATATCCTCCATGAA-3'
Protein context (NP_005582.1, residues 318-338): PDIFNPDNPK[Val328Ile]TQAIQSFCLE